The following is an entry in ClinVar:

ClinVar aggregate classification (germline): Pathogenic/Likely pathogenic. Review status: criteria provided, multiple submitters, no conflicts (2 of 4 stars). 3 submissions from 3 submitters: Pathogenic (1); Likely pathogenic (1). 1 of the submissions does not count toward it. Last evaluated 2024-08-20.

Conditions:
Polycystic kidney disease, adult type (PKD1). Also called: Polycystic Kidney Disease 1, Autosomal Dominant; Polycystic kidney disease 1; Polycystic kidney disease 1, severe; POLYCYSTIC KIDNEY DISEASE, ADULT, TYPE I; Polycystic Kidney, Autosomal Dominant; POLYCYSTIC KIDNEY DISEASE 1 WITH OR WITHOUT POLYCYSTIC LIVER DISEASE. Identifiers: MedGen C3149841, MONDO:0008263, OMIM 173900.
PKD1-related disorder. Also called: PKD1-related condition.

Submissions (3):

GeneDx
Classification: Pathogenic. Last evaluated: 2024-08-20. Review status: criteria provided, single submitter. Criteria: GeneDx Variant Classification Process June 2021. Collection method: clinical testing. Allele origin: germline. Affected: yes.
Comment: Canonical splice site variant predicted to result in a null allele in a gene for which loss of function is a known mechanism of disease; Not observed at significant frequency in large population cohorts (gnomAD); This variant is associated with the following publications: (PMID: 36938073)

Blueprint Genetics
Classification: Likely pathogenic for PKD1-related disorders. Last evaluated: 2019-06-25. Review status: criteria provided, single submitter. Criteria: ACMG Guidelines, 2015. Collection method: clinical testing. Allele origin: germline. Affected: yes. Observed: 1 variant allele.

MVZ Medizinische Genetik Mainz
Classification: Pathogenic for Polycystic kidney disease, adult type. Last evaluated: 2023-08-14. Review status: no assertion criteria provided. Collection method: clinical testing. Allele origin: germline. Inheritance: Autosomal dominant inheritance. Affected: yes. Observed: 1 variant allele. Not counted in ClinVar's aggregate classification.

NM_001009944.3(PKD1):c.3162-1G>A

Gene: PKD1 (polycystin 1, transient receptor potential channel interacting; minus strand). Cytogenetic location: 16p13.3.
Variant type: single nucleotide variant.
Coding change: c.3162-1G>A on transcript NM_001009944.3 (MANE Select); the canonical splice acceptor site of the intron before coding-DNA position 3162, G replaced by A.
Molecular consequence: splice acceptor variant.
Genome position (GRCh38, 1-based): chr16:2,112,474, C>T on the plus strand (G>A on the coding strand, the complement: PKD1 is on the minus strand). VCF-style: chr16-2112474-C-T. GRCh37 (hg19) VCF-style: chr16-2162475-C-T.
Other names: c.3162-1G>A (NM_000296.4).
Identifiers: ClinVar variation 2577437 (VCV002577437.4), dbSNP rs2544837759, ClinGen allele CA394383811.
Genomic context (GRCh38, chr16:2,112,474, plus strand): 5'-GACTCGTTGTACGGAGGCTGGAACTGGTGGAGGGCCTGCTCCCCATCCCCAAAGGTCCAC[C>T]TGCCGGGGCGGTGGGACGCAGTGAGTGAACCGGGACAGGGGTGGGCGGTGGCGGGGCAGG-3'